The following is an entry in ClinVar:

NM_025132.4(WDR19):c.2285C>T (p.Ala762Val)

Gene: WDR19 (WD repeat domain 19; plus strand). Cytogenetic location: 4p14.
Variant type: single nucleotide variant.
Coding change: c.2285C>T on transcript NM_025132.4 (MANE Select); coding-DNA position 2285, C replaced by T.
Protein change: p.Ala762Val; replaces alanine 762 with valine.
Molecular consequence: missense variant.
Genome position (GRCh38, 1-based): chr4:39,234,797, C>T. VCF-style: chr4-39234797-C-T. GRCh37 (hg19) VCF-style: chr4-39236417-C-T.
Other names: c.1805C>T, p.Ala602Val (NM_001317924.2); short protein forms A602V, A762V.
Identifiers: ClinVar variation 2182522 (VCV002182522.5), dbSNP rs774388282, ClinGen allele CA2892049.

ClinVar aggregate classification (germline): Uncertain significance. Review status: criteria provided, multiple submitters, no conflicts (2 of 4 stars). 2 submissions from 2 submitters: Uncertain significance (2). Last evaluated 2024-04-15.

Conditions:
Senior-Loken syndrome 8 (SLSN8). Identifiers: Orphanet 3156, MedGen C4225376, MONDO:0014579, OMIM 616307.
Asphyxiating thoracic dystrophy 5 (SRTD5). Also called: SHORT-RIB THORACIC DYSPLASIA 5 WITH OR WITHOUT POLYDACTYLY; SHORT-RIB THORACIC DYSPLASIA 5 WITHOUT POLYDACTYLY. Identifiers: Orphanet 474, MedGen C3280598, MONDO:0013717, OMIM 614376.
Nephronophthisis 13 (NPHP13). Identifiers: Orphanet 655, MedGen C3280612, MONDO:0013718, OMIM 614377.
Cranioectodermal dysplasia 4 (CED4). Identifiers: Orphanet 1515, MedGen C3280616, MONDO:0013719, OMIM 614378.
Spermatogenic failure 72 (SPGF72). Identifiers: MedGen C5676980, MONDO:0030809, OMIM 619867.

Allele frequency attached by ClinVar (database versions not stated): gnomAD exomes 0.00001; ExAC 0.00003.
gnomAD v4.1: 3 of 1,583,598 alleles (0.00019%); highest among the groups gnomAD compares: Non-Finnish European, 0.00026%; no homozygotes.

Submissions (2):

Fulgent Genetics
Classification: Uncertain significance for Asphyxiating thoracic dystrophy 5; Nephronophthisis 13; Cranioectodermal dysplasia 4; Senior-Loken syndrome 8; Spermatogenic failure 72. Last evaluated: 2024-04-15. Review status: criteria provided, single submitter. Criteria: ACMG Guidelines, 2015. Collection method: clinical testing. Allele origin: germline.

Labcorp Genetics (formerly Invitae), Labcorp
Classification: Uncertain significance for Senior-Loken syndrome 8; Asphyxiating thoracic dystrophy 5. Last evaluated: 2022-03-10. Review status: criteria provided, single submitter. Criteria: Invitae Variant Classification Sherloc (09022015). Collection method: clinical testing. Allele origin: germline.
Comment: This sequence change replaces alanine, which is neutral and non-polar, with valine, which is neutral and non-polar, at codon 762 of the WDR19 protein (p.Ala762Val). The frequency data for this variant in the population databases is considered unreliable, as metrics indicate poor data quality at this position in the gnomAD database. This variant has not been reported in the literature in individuals affected with WDR19-related conditions. Algorithms developed to predict the effect of missense changes on protein structure and function (SIFT, PolyPhen-2, Align-GVGD) all suggest that this variant is likely to be disruptive. In summary, the available evidence is currently insufficient to determine the role of this variant in disease. Therefore, it has been classified as a Variant of Uncertain Significance.